The following is an entry in ClinVar:

NM_000179.3(MSH6):c.775G>T (p.Gly259Cys)

Gene: MSH6 (mutS homolog 6; plus strand). Cytogenetic location: 2p16.3.
Variant type: single nucleotide variant.
Coding change: c.775G>T on transcript NM_000179.3 (MANE Select); coding-DNA position 775, G replaced by T.
Protein change: p.Gly259Cys; replaces glycine 259 with cysteine.
Molecular consequence: missense variant. On other transcripts: 5 prime UTR variant (2).
Genome position (GRCh38, 1-based): chr2:47,798,758, G>T. VCF-style: chr2-47798758-G-T. GRCh37 (hg19) VCF-style: chr2-48025897-G-T.
Other names: c.385G>T, p.Gly129Cys (NM_001281492.2); c.-132G>T (NM_001281493.2, NM_001281494.2); short protein forms G259C, G129C.
Identifiers: ClinVar variation 480927 (VCV000480927.8), dbSNP rs1553412198, ClinGen allele CA346740227.

ClinVar aggregate classification (germline): Uncertain significance. Review status: criteria provided, multiple submitters, no conflicts (2 of 4 stars). 2 submissions from 2 submitters: Uncertain significance (2). Last evaluated 2023-05-19.

Conditions:
Hereditary nonpolyposis colorectal neoplasms. Identifiers: MedGen C0009405, MeSH D003123.
Hereditary cancer-predisposing syndrome. Also called: Hereditary Cancer Syndrome; Neoplastic Syndromes, Hereditary; Tumor predisposition; Hereditary neoplastic syndrome. Identifiers: Orphanet 140162, MedGen C0027672, MeSH D009386, MONDO:0015356.

Submissions (2):

Labcorp Genetics (formerly Invitae), Labcorp
Classification: Uncertain significance for Hereditary nonpolyposis colorectal neoplasms. Last evaluated: 2023-05-19. Review status: criteria provided, single submitter. Criteria: Invitae Variant Classification Sherloc (09022015). Collection method: clinical testing. Allele origin: germline.
Comment: In summary, the available evidence is currently insufficient to determine the role of this variant in disease. Therefore, it has been classified as a Variant of Uncertain Significance. Advanced modeling of protein sequence and biophysical properties (such as structural, functional, and spatial information, amino acid conservation, physicochemical variation, residue mobility, and thermodynamic stability) performed at Invitae indicates that this missense variant is not expected to disrupt MSH6 protein function. ClinVar contains an entry for this variant (Variation ID: 480927). This variant has not been reported in the literature in individuals affected with MSH6-related conditions. This variant is not present in population databases (gnomAD no frequency). This sequence change replaces glycine, which is neutral and non-polar, with cysteine, which is neutral and slightly polar, at codon 259 of the MSH6 protein (p.Gly259Cys).

Ambry Genetics
Classification: Uncertain significance for Hereditary cancer-predisposing syndrome. Last evaluated: 2016-11-16. Review status: criteria provided, single submitter. Criteria: Ambry Variant Classification Scheme 2023. Collection method: clinical testing. Allele origin: germline.
Comment: The p.G259C variant (also known as c.775G>T), located in coding exon 4 of the MSH6 gene, results from a G to T substitution at nucleotide position 775. The glycine at codon 259 is replaced by cysteine, an amino acid with highly dissimilar properties. This variant was not reported in population based cohorts in the following databases: Database of Single Nucleotide Polymorphisms (dbSNP), NHLBI Exome Sequencing Project (ESP), and 1000 Genomes Project. In the ESP, this variant was not observed in 6503 samples (13006 alleles) with coverage at this position. To date, this alteration has been detected with an allele frequency of approximately 0.0007% (greater than 150000 alleles tested) in our clinical cohort. This amino acid position is highly conserved through mammals but not in all available vertebrate species. In addition, the in silico prediction for this alteration is inconclusive. In addition, the CoDP in silico tool predicts this alteration to have minor impact on molecular function, with a score of 0.00 (Terui H et al. J. Biomed. Sci. 2013;20:25). Since supporting evidence is limited at this time, the clinical significance of this alteration remains unclear.